The following is an entry in ClinVar:

NM_001963.6(EGF):c.1139G>T (p.Cys380Phe)

Gene: EGF (epidermal growth factor; plus strand). Cytogenetic location: 4q25.
Variant type: single nucleotide variant.
Coding change: c.1139G>T on transcript NM_001963.6 (MANE Select); coding-DNA position 1139, G replaced by T.
Protein change: p.Cys380Phe; replaces cysteine 380 with phenylalanine.
Molecular consequence: missense variant.
Genome position (GRCh38, 1-based): chr4:109,960,939, G>T. VCF-style: chr4-109960939-G-T. GRCh37 (hg19) VCF-style: chr4-110882095-G-T.
Other names: c.1139G>T, p.Cys380Phe (NM_001178130.3); c.1013G>T, p.Cys338Phe (NM_001178131.3, NM_001357021.2); short protein forms C338F, C380F.
Identifiers: ClinVar variation 4726822 (VCV004726822.1).

ClinVar aggregate classification (germline): Uncertain significance (1 of 4 stars; one submission).

Submission:

Labcorp Genetics (formerly Invitae), Labcorp
Classification: Uncertain significance. Last evaluated: 2025-12-16. Review status: criteria provided, single submitter. Criteria: Invitae Variant Classification Sherloc (09022015). Collection method: clinical testing. Allele origin: germline.
Comment: This sequence change replaces cysteine, which is neutral and slightly polar, with phenylalanine, which is neutral and non-polar, at codon 380 of the EGF protein (p.Cys380Phe). This variant is not present in population databases (gnomAD no frequency). This variant has not been reported in the literature in individuals affected with EGF-related conditions. An algorithm developed to predict the effect of missense changes on protein structure and function (PolyPhen-2) suggests that this variant is likely to be disruptive. In summary, the available evidence is currently insufficient to determine the role of this variant in disease. Therefore, it has been classified as a Variant of Uncertain Significance.